The following is an entry in ClinVar:

ClinVar aggregate classification (germline): Uncertain significance (1 of 4 stars; one submission).

Conditions:
Inborn genetic diseases. Identifiers: MedGen C0950123, MeSH D030342.

Submission:

Ambry Genetics
Classification: Uncertain significance for Inborn genetic diseases. Last evaluated: 2023-09-06. Review status: criteria provided, single submitter. Criteria: Ambry Variant Classification Scheme 2023. Collection method: clinical testing. Allele origin: germline.
Comment: The p.N816K variant (also known as c.2448T>A), located in coding exon 19 of the BUB1B gene, results from a T to A substitution at nucleotide position 2448. The asparagine at codon 816 is replaced by lysine, an amino acid with similar properties. This amino acid position is conserved. In addition, this alteration is predicted to be tolerated by in silico analysis. Since supporting evidence is limited at this time, the clinical significance of this alteration remains unclear.

NM_001211.6(BUB1B):c.2448T>A (p.Asn816Lys)

Gene: BUB1B (BUB1 mitotic checkpoint serine/threonine kinase B; plus strand). Cytogenetic location: 15q15.1.
Variant type: single nucleotide variant.
Coding change: c.2448T>A on transcript NM_001211.6 (MANE Select); coding-DNA position 2448, T replaced by A.
Protein change: p.Asn816Lys; replaces asparagine 816 with lysine.
Molecular consequence: missense variant.
Genome position (GRCh38, 1-based): chr15:40,212,561, T>A. VCF-style: chr15-40212561-T-A. GRCh37 (hg19) VCF-style: chr15-40504762-T-A.
Other names: short protein forms N816K.
Identifiers: ClinVar variation 2585933 (VCV002585933.2), dbSNP rs1595534924, ClinGen allele CA391695231.